The following is an entry in ClinVar:

ClinVar aggregate classification (germline): Uncertain significance (1 of 4 stars; one submission).

Submission:

Labcorp Genetics (formerly Invitae), Labcorp
Classification: Uncertain significance. Last evaluated: 2025-05-27. Review status: criteria provided, single submitter. Criteria: Invitae Variant Classification Sherloc (09022015). Collection method: clinical testing. Allele origin: germline.
Comment: This sequence change replaces serine, which is neutral and polar, with isoleucine, which is neutral and non-polar, at codon 889 of the ADNP protein (p.Ser889Ile). This variant is not present in population databases (gnomAD no frequency). This variant has not been reported in the literature in individuals affected with ADNP-related conditions. An algorithm developed to predict the effect of missense changes on protein structure and function (PolyPhen-2) suggests that this variant is likely to be tolerated. In summary, the available evidence is currently insufficient to determine the role of this variant in disease. Therefore, it has been classified as a Variant of Uncertain Significance.

NM_001282531.3(ADNP):c.2666G>T (p.Ser889Ile)

Gene: ADNP (activity dependent neuroprotector homeobox; minus strand). Cytogenetic location: 20q13.13.
Variant type: single nucleotide variant.
Coding change: c.2666G>T on transcript NM_001282531.3 (MANE Select); coding-DNA position 2666, G replaced by T.
Protein change: p.Ser889Ile; replaces serine 889 with isoleucine.
Molecular consequence: missense variant.
Genome position (GRCh38, 1-based): chr20:50,892,048, C>A on the plus strand (G>T on the coding strand, the complement: ADNP is on the minus strand). VCF-style: chr20-50892048-C-A. GRCh37 (hg19) VCF-style: chr20-49508585-C-A.
Other names: c.2666G>T, p.Ser889Ile (NM_001282532.2, NM_001347511.2, NM_015339.5 and 1 more transcripts); c.2882G>T, p.Ser961Ile (NM_001439000.1); c.1982G>T, p.Ser661Ile (NM_001439001.1); short protein forms S661I, S961I, S889I.
Identifiers: ClinVar variation 4720313 (VCV004720313.1).
Genomic context (GRCh38, chr20:50,892,048, plus strand): 5'-TCTGGGTTATCGTTAGAGATTTTAGGTTCAACTTCAAAAACAGGGTCAAAAGGGCTACCA[C>A]TTTCATTGGATTCTTCTTCCAAATTTTCAAAACTGTCTGAGGAACTGTCATCTTCCTTCC-3'
Protein context (NP_001269460.1, residues 879-899): FENLEEESNE[Ser889Ile]GSPFDPVFEV